The following is an entry in ClinVar:

NM_000182.5(HADHA):c.2000+1G>C

Genes: HADHA (hydroxyacyl-CoA dehydrogenase trifunctional multienzyme complex subunit alpha; minus strand), GAREM2 (GRB2 associated regulator of MAPK1 subtype 2; plus strand). Cytogenetic location: 2p23.3.
Variant type: single nucleotide variant.
Coding change: c.2000+1G>C on transcript NM_000182.5 (MANE Select); the canonical splice donor site of the intron after coding-DNA position 2000, G replaced by C.
Molecular consequence: splice donor variant.
Genome position (GRCh38, 1-based): chr2:26,192,309, C>G on the plus strand (G>C on the coding strand, the complement: HADHA is on the minus strand). VCF-style: chr2-26192309-C-G. GRCh37 (hg19) VCF-style: chr2-26415178-C-G.
Identifiers: ClinVar variation 554318 (VCV000554318.12), dbSNP rs1167218743, ClinGen allele CA346114167.

ClinVar aggregate classification (germline): Pathogenic. Review status: criteria provided, single submitter (1 of 4 stars). 2 submissions from 2 submitters: Pathogenic (1). 1 of the submissions does not count toward it. Last evaluated 2019-08-21.

Conditions:
Mitochondrial trifunctional protein deficiency. Identifiers: Orphanet 746, MedGen C1969443, MONDO:0012172.
Long chain 3-hydroxyacyl-CoA dehydrogenase deficiency. Also called: LCHAD Deficiency; Deficiency of long-chain 3-hydroxyacyl-coenzyme A dehydrogenase. Identifiers: Orphanet 5, MedGen C3711645, MONDO:0012173, OMIM 609016.

Submissions (2):

Labcorp Genetics (formerly Invitae), Labcorp
Classification: Pathogenic for Mitochondrial trifunctional protein deficiency; Long chain 3-hydroxyacyl-CoA dehydrogenase deficiency. Last evaluated: 2019-08-21. Review status: criteria provided, single submitter. Criteria: Invitae Variant Classification Sherloc (09022015). Collection method: clinical testing. Allele origin: germline.
Comment: Algorithms developed to predict the effect of sequence changes on RNA splicing suggest that this variant may disrupt the consensus splice site, but this prediction has not been confirmed by published transcriptional studies. This variant has not been reported in the literature in individuals with HADHA-related disease. This variant is not present in population databases (ExAC no frequency). This sequence change affects a donor splice site in intron 18 of the HADHA gene. It is expected to disrupt RNA splicing and likely results in an absent or disrupted protein product. A different variant affecting this nucleotide (c.2000+1G>A, also known as IVS18+1G>A in the literature) has been determined to be likely pathogenic (PMID: 14630990). This suggests that this nucleotide is important for normal RNA splicing, and that other variants at this position may also be pathogenic. For these reasons, this variant has been classified as Pathogenic. Donor and acceptor splice site variants typically lead to a loss of protein function (PMID: 16199547), and loss-of-function variants in HADHA are known to be pathogenic (PMID: 7738175, 21103935, 21549624, 22459206).

Counsyl
Classification: Likely pathogenic for Long chain 3-hydroxyacyl-CoA dehydrogenase deficiency. Last evaluated: 2017-10-19. Review status: no assertion criteria provided. Collection method: clinical testing. Allele origin: unknown. Not counted in ClinVar's aggregate classification.

Literature cited by the submitters: PubMed 14630990 (cited by Labcorp Genetics (formerly Invitae), Labcorp); PubMed 16199547 (cited by Labcorp Genetics (formerly Invitae), Labcorp); PubMed 7738175 (cited by Labcorp Genetics (formerly Invitae), Labcorp); PubMed 21103935 (cited by Labcorp Genetics (formerly Invitae), Labcorp); PubMed 21549624 (cited by Labcorp Genetics (formerly Invitae), Labcorp); PubMed 22459206 (cited by Labcorp Genetics (formerly Invitae), Labcorp).